The following is an entry in ClinVar:

ClinVar aggregate classification (germline): Likely benign. Review status: criteria provided, multiple submitters, no conflicts (2 of 4 stars). 3 submissions from 3 submitters: Likely benign (3). Last evaluated 2025-12-11.

Allele frequency attached by ClinVar (database versions not stated): gnomAD below 0.00001 and 0.00003; gnomAD exomes 0.00012 and 0.00018; ExAC 0.00018.
gnomAD v4.1: 171 of 1,613,742 alleles (0.011%); highest among the groups gnomAD compares: South Asian, 0.16%; 2 homozygotes.

Submissions (3):

Labcorp Genetics (formerly Invitae), Labcorp
Classification: Likely benign. Last evaluated: 2025-12-11. Review status: criteria provided, single submitter. Criteria: Invitae Variant Classification Sherloc (09022015). Collection method: clinical testing. Allele origin: germline.

CeGaT Center for Human Genetics Tuebingen
Classification: Likely benign. Last evaluated: 2025-10-01. Review status: criteria provided, single submitter. Criteria: CeGaT Center For Human Genetics Tuebingen Variant Classification Criteria Version 2. Collection method: clinical testing. Allele origin: germline. Affected: yes. Observed: 2 variant alleles.
Comment: PLG: BP4, BP7

Blueprint Genetics
Classification: Likely benign. Last evaluated: 2024-07-15. Review status: criteria provided, single submitter. Criteria: ACMG Guidelines, 2015. Collection method: clinical testing. Allele origin: germline.

NM_000301.5(PLG):c.1500G>A (p.Thr500=)

Gene: PLG (plasminogen; plus strand). Cytogenetic location: 6q26.
Variant type: single nucleotide variant.
Coding change: c.1500G>A on transcript NM_000301.5 (MANE Select); coding-DNA position 1500, G replaced by A.
Protein change: p.Thr500=; no amino-acid change (threonine 500 retained).
Molecular consequence: synonymous variant.
Genome position (GRCh38, 1-based): chr6:160,731,806, G>A. VCF-style: chr6-160731806-G-A. GRCh37 (hg19) VCF-style: chr6-161152838-G-A.
Identifiers: ClinVar variation 871034 (VCV000871034.45), dbSNP rs775623839, ClinGen allele CA4087805.